The following is an entry in ClinVar:

NM_001174089.2(SLC4A11):c.730-649_941del

Gene: SLC4A11 (solute carrier family 4 member 11; minus strand). Cytogenetic location: 20p13.
Variant type: Deletion.
Coding change: c.730-649_941del on transcript NM_001174089.2 (MANE Select); 649 bases into the intron before coding-DNA position 730 through coding-DNA position 941, 861 bases deleted.
Molecular consequence: splice acceptor variant.
Genome position (GRCh38, 1-based): chr20:3,231,337-3,232,197, 861 bases deleted. GRCh37 (hg19): chr20:3,211,989-3,212,849.
Other names: c.730-649_941del (NM_001363745.2); c.859-649_1070del (NM_001174090.2); c.778-649_989del (NM_032034.4).
Identifiers: ClinVar variation 944368 (VCV000944368.1), dbSNP rs2067769305, ClinGen allele CA1139666619.

ClinVar aggregate classification (germline): Likely pathogenic (1 of 4 stars; one submission).

Submission:

Labcorp Genetics (formerly Invitae), Labcorp
Classification: Likely pathogenic. Last evaluated: 2019-07-12. Review status: criteria provided, single submitter. Criteria: Invitae Variant Classification Sherloc (09022015). Collection method: clinical testing. Allele origin: germline.
Comment: This variant is a deletion of the genomic region encompassing part of exon 7 (c.778-655_983del) of the SLC4A11 gene. It is expected to disrupt RNA splicing and likely results in an absent or disrupted protein product. This variant has not been reported in the literature in individuals with SLC4A11-related conditions. Loss-of-function variants in SLC4A11 are known to be pathogenic (PMID: 17220209, 17679935). In summary, the currently available evidence indicates that the variant is pathogenic, but additional data are needed to prove that conclusively. Therefore, this variant has been classified as Likely Pathogenic.